The following is an entry in ClinVar:

NM_032043.3(BRIP1):c.199C>G (p.Leu67Val)

Gene: BRIP1 (BRCA1 interacting DNA helicase 1; minus strand). Cytogenetic location: 17q23.2.
Variant type: single nucleotide variant.
Coding change: c.199C>G on transcript NM_032043.3 (MANE Select); coding-DNA position 199, C replaced by G.
Protein change: p.Leu67Val; replaces leucine 67 with valine.
Molecular consequence: missense variant.
Genome position (GRCh38, 1-based): chr17:61,859,802, G>C on the plus strand (C>G on the coding strand, the complement: BRIP1 is on the minus strand). VCF-style: chr17-61859802-G-C. GRCh37 (hg19) VCF-style: chr17-59937163-G-C.
Other names: short protein forms L67V.
Identifiers: ClinVar variation 2123724 (VCV002123724.4), dbSNP rs2145849590, ClinGen allele CA400485656.

ClinVar aggregate classification (germline): Uncertain significance (1 of 4 stars; one submission).

Conditions:
Familial cancer of breast. Also called: BREAST CANCER, FAMILIAL; Hereditary breast cancer; hereditary breast carcinoma. Identifiers: Orphanet 227535, MedGen C0346153, MONDO:0016419, OMIM 114480. Disease mechanism: loss of function.
Fanconi anemia complementation group J. Also called: BRIP1-Related Fanconi Anemia. Identifiers: Orphanet 84, MedGen C1836860, MONDO:0012187, OMIM 609054.

Submission:

Labcorp Genetics (formerly Invitae), Labcorp
Classification: Uncertain significance for Familial cancer of breast; Fanconi anemia complementation group J. Last evaluated: 2022-10-13. Review status: criteria provided, single submitter. Criteria: Invitae Variant Classification Sherloc (09022015). Collection method: clinical testing. Allele origin: germline.
Comment: In summary, the available evidence is currently insufficient to determine the role of this variant in disease. Therefore, it has been classified as a Variant of Uncertain Significance. Algorithms developed to predict the effect of missense changes on protein structure and function (SIFT, PolyPhen-2, Align-GVGD) all suggest that this variant is likely to be tolerated. This variant has not been reported in the literature in individuals affected with BRIP1-related conditions. This variant is not present in population databases (gnomAD no frequency). This sequence change replaces leucine, which is neutral and non-polar, with valine, which is neutral and non-polar, at codon 67 of the BRIP1 protein (p.Leu67Val).